The following is an entry in ClinVar:

ClinVar aggregate classification (germline): Conflicting classifications of pathogenicity. Review status: criteria provided, conflicting classifications (1 of 4 stars). 9 submissions from 9 submitters: Pathogenic (1); Likely pathogenic (4); Uncertain significance (3). 1 of the submissions does not count toward it. Last evaluated 2025-06-18.

Conditions:
Neuronal ceroid lipofuscinosis. Also called: Neuronal Ceroid Lipofuscinoses. Identifiers: Orphanet 216, Orphanet 79263, MedGen C0027877, MONDO:0016295. Disease mechanism: loss of function.
CLN6-related disorder. Also called: CLN6-related condition.
Ceroid lipofuscinosis, neuronal, 6A. Also called: Neuronal ceroid lipofuscinosis, Gypsy/Indian early juvenile variant; Neuronal ceroid lipofuscinosis 6; CLN6-Related Neuronal Ceroid-Lipofuscinosis; Neuronal ceroid lipofuscinosis, late infantile, variant. Identifiers: Orphanet 168491, Orphanet 228363, MedGen C5551375, MONDO:0011144, OMIM 601780.

Allele frequency attached by ClinVar (database versions not stated): TOPMed 0.00001; gnomAD 0.00003.
gnomAD v4.1: 26 of 1,612,448 alleles (0.0016%); highest among the groups gnomAD compares: South Asian, 0.012%; no homozygotes.

Submissions (9):

Natera, Inc.
Classification: Likely pathogenic for Ceroid lipofuscinosis, neuronal, 6A. Last evaluated: 2025-06-18. Review status: criteria provided, single submitter. Criteria: Natera Variant Classification Schema (03/2026). Collection method: clinical testing. Allele origin: germline.
Comment: The c.662A>C variant in CLN6 is a missense variant predicted to cause substitution of tyrosine to serine at amino acid 221. This variant is rare in the general population with a frequency below the threshold expected for the associated phenotype(s). This variant has been observed in one or more individuals affected with the associated recessive disease, as either homozygous or compound heterozygous with a second variant (PMID: 27848944, 37074398). This variant has been observed to segregate in affected family members (PMID: 37074398). Computational prediction algorithms indicate this variant is likely to affect gene or protein function. Given the available evidence, this variant is classified as Likely Pathogenic.

Labcorp Genetics (formerly Invitae), Labcorp
Classification: Uncertain significance for Neuronal ceroid lipofuscinosis. Last evaluated: 2025-02-04. Review status: criteria provided, single submitter. Criteria: Invitae Variant Classification Sherloc (09022015). Collection method: clinical testing. Allele origin: germline.
Comment: This sequence change replaces tyrosine, which is neutral and polar, with serine, which is neutral and polar, at codon 221 of the CLN6 protein (p.Tyr221Ser). This variant is present in population databases (rs764571295, gnomAD 0.02%). This missense change has been observed in individuals with neuronal ceroid lipofuscinosis (PMID: 12815591, 21990111, 35505348, 37074398). ClinVar contains an entry for this variant (Variation ID: 560342). Invitae Evidence Modeling of protein sequence and biophysical properties (such as structural, functional, and spatial information, amino acid conservation, physicochemical variation, residue mobility, and thermodynamic stability) indicates that this missense variant is not expected to disrupt CLN6 protein function with a negative predictive value of 80%. This variant disrupts the p.Tyr221 amino acid residue in CLN6. Other variant(s) that disrupt this residue have been observed in individuals with CLN6-related conditions (PMID: 19135028), which suggests that this may be a clinically significant amino acid residue. In summary, the available evidence is currently insufficient to determine the role of this variant in disease. Therefore, it has been classified as a Variant of Uncertain Significance.

Blueprint Genetics
Classification: Likely pathogenic for CLN6-related disorders. Last evaluated: 2023-09-15. Review status: criteria provided, single submitter. Criteria: ACMG Guidelines, 2015. Collection method: clinical testing. Allele origin: germline. Affected: yes. Observed: 1 variant allele.

Women's Health and Genetics/Laboratory Corporation of America, LabCorp
Classification: Likely pathogenic for Neuronal ceroid lipofuscinosis. Last evaluated: 2023-04-27. Review status: criteria provided, single submitter. Criteria: LabCorp Variant Classification Summary - May 2015. Collection method: clinical testing. Allele origin: germline.
Comment: Variant summary: CLN6 c.662A>C (p.Tyr221Ser) results in a non-conservative amino acid change in the encoded protein sequence. Four of five in-silico tools predict a damaging effect of the variant on protein function. The variant allele was found at a frequency of 2.4e-05 in 251004 control chromosomes (gnomAD). These data indicate that the variant is likely to be associated with disease. To our knowledge, no experimental evidence demonstrating an impact on protein function has been reported. However, another variant affecting the same codon, p.Tyr221Cys, has been reported in affected individuals (HGMD database), suggesting this residue may be important for protein function. The following publications have been ascertained in the context of this evaluation (PMID: 21990111, 35505348, 12815591). Four submitters have provided clinical-significance assessments for this variant to ClinVar after 2014 and classified the variant as either VUS (n=3) or pathogenic (n=1). Based on the evidence outlined above, the variant was classified as likely pathogenic.

3billion
Classification: Uncertain significance for Ceroid lipofuscinosis, neuronal, 6A. Last evaluated: 2022-03-22. Review status: criteria provided, single submitter. Criteria: ACMG Guidelines, 2015. Collection method: clinical testing. Allele origin: germline. Affected: yes. Observed: 1 homozygote.
Comment: Different pathogenic/likely pathogenic amino acid change has been reported with supporting evidence at the same codon (PMID:19135028). In silico tool predictions suggest damaging effect of the variant on gene or gene product (REVEL: 0.895>=0.6, 3CNET: 0.884>=0.75). The variant is observed at an extremely low frequency in the gnomAD v2.1.1 dataset (total allele frequency:0.0000278). Therefore, this variant is classified as uncertain significance according to the recommendation of ACMG/AMP guideline.

Genomic Research Center, Shahid Beheshti University of Medical Sciences
Classification: Pathogenic for Ceroid lipofuscinosis, neuronal, 6A. Last evaluated: 2020-05-03. Review status: criteria provided, single submitter. Criteria: ACMG Guidelines, 2015. Collection method: clinical testing. Allele origin: unknown. Affected: yes.

Broad Center for Mendelian Genomics, Broad Institute of MIT and Harvard
Classification: Uncertain significance for Ceroid lipofuscinosis, neuronal, 6A. Last evaluated: 2018-12-03. Review status: criteria provided, single submitter. Criteria: ACMG Guidelines, 2015. Collection method: research. Allele origin: germline. Inheritance: Autosomal recessive inheritance. Affected: yes.
Comment: Although this variant has been seen in the general population, its frequency is low enough to be consistent with a recessive carrier frequency. Computational prediction tools and conservation analyses suggest that this variant may impact the protein, though this information is not predictive enough to determine pathogenicity. This missense variant affects the same residue as a variant, p.Tyr221Cys, reported in association with neuronal ceroid lipofuscinosis in 2 siblings and 1 unrelated individual in the literature, slightly supporting that a change at this residue may not be tolerated (PMID: 19135028). In summary, while there is some suspicion for a pathogenic role, the clinical significance of this variant is uncertain. ACMG/AMP Criteria applied: PM2, PP3, PM5_Supporting (Richards 2015).

Neuberg Centre For Genomic Medicine, NCGM
Classification: Likely pathogenic for Ceroid lipofuscinosis, neuronal, 6A. Review status: criteria provided, single submitter. Criteria: ACMG Guidelines, 2015. Collection method: clinical testing. Allele origin: germline. Inheritance: Autosomal recessive inheritance. Affected: yes.
Comment: The c.662A>C(p.Tyr221Ser) variant in CLN6 gene has been reported in compound heterozygous state in individual affected with neuronal ceroid lipofuscinosis(Sharp et al., 2003). This variant is reported with the allele frequency 0.002% in the gnomad and novel in 1000 genome database. It has been submitted to ClinVar with varying interpretations: Pathogenic/ Uncertain significance. The amino acid Tyr at position 221 is changed to a Ser changing protein sequence and it might alter its composition and physico-chemical properties. The variant is predicted to be damaging by SIFT and the residue is conserved across species. The amino acid change p.Tyr221Ser in CLN6 is predicted as conserved by GERP++ and PhyloP across 100 vertebrates. For these reasons, this variant has been classified as Likely Pathogenic.

Translational Research Program on Neuronal Ceroid Lipofuscinosis, Center for the Study of Inborn Errors of Metabolism
Classification: Pathogenic for Ceroid lipofuscinosis, neuronal, 6A. Review status: no assertion criteria provided. Collection method: research. Allele origin: inherited. Affected: yes. Not counted in ClinVar's aggregate classification.
Comment: Late Infantile NCL

Literature cited by the submitters: PubMed 27848944 (cited by Natera, Inc.); PubMed 37074398 (cited by Natera, Inc. and Labcorp Genetics (formerly Invitae), Labcorp); PubMed 12815591 (cited by 4 submitters); PubMed 21990111 (cited by 3 submitters); PubMed 35505348 (cited by Labcorp Genetics (formerly Invitae), Labcorp and Women's Health and Genetics/Laboratory Corporation of America, LabCorp); PubMed 19135028 (cited by 3 submitters).

NM_017882.3(CLN6):c.662A>C (p.Tyr221Ser)

Gene: CLN6 (CLN6 transmembrane ER protein; minus strand). Cytogenetic location: 15q23.
Variant type: single nucleotide variant.
Coding change: c.662A>C on transcript NM_017882.3 (MANE Select); coding-DNA position 662, A replaced by C.
Protein change: p.Tyr221Ser; replaces tyrosine 221 with serine.
Molecular consequence: missense variant.
Genome position (GRCh38, 1-based): chr15:68,209,640, T>G on the plus strand (A>C on the coding strand, the complement: CLN6 is on the minus strand). VCF-style: chr15-68209640-T-G. GRCh37 (hg19) VCF-style: chr15-68501978-T-G.
Other names: short protein forms Y221S.
Identifiers: ClinVar variation 560342 (VCV000560342.17), dbSNP rs764571295, ClinGen allele CA7630517.